The following is an entry in ClinVar:

NM_001097579.2(GPR34):c.1009A>G (p.Ile337Val)

Genes: GPR34 (G protein-coupled receptor 34; plus strand), CASK (calcium/calmodulin dependent serine protein kinase; minus strand). Cytogenetic location: Xp11.4.
Variant type: single nucleotide variant.
Coding change: c.1009A>G on transcript NM_001097579.2 (MANE Select); coding-DNA position 1009, A replaced by G.
Protein change: p.Ile337Val; replaces isoleucine 337 with valine.
Molecular consequence: missense variant. On other transcripts: intron variant (5).
Genome position (GRCh38, 1-based): chrX:41,696,642, A>G. VCF-style: chrX-41696642-A-G. GRCh37 (hg19) VCF-style: chrX-41555895-A-G.
Other names: c.430-25112T>C (NM_001126054.3, NM_003688.4, NM_001367721.1 and 2 more transcripts); c.1009A>G, p.Ile337Val (NM_005300.4); short protein forms I337V.
Identifiers: ClinVar variation 3770827 (VCV003770827.13).

ClinVar aggregate classification (germline): Likely benign (1 of 4 stars; one submission).

gnomAD v4.1: 92 of 1,209,353 alleles (0.0076%); highest among the groups gnomAD compares: Middle Eastern, 0.091%; 1 homozygote.

Submission:

CeGaT Center for Human Genetics Tuebingen
Classification: Likely benign. Last evaluated: 2025-01-01. Review status: criteria provided, single submitter. Criteria: CeGaT Center For Human Genetics Tuebingen Variant Classification Criteria Version 2. Collection method: clinical testing. Allele origin: germline. Affected: yes. Observed: 1 variant allele.
Comment: GPR34: BS2